The following is an entry in ClinVar:

NM_173728.4(ARHGEF15):c.490C>T (p.Arg164Trp)

Gene: ARHGEF15 (Rho guanine nucleotide exchange factor 15; plus strand). Cytogenetic location: 17p13.1.
Variant type: single nucleotide variant.
Coding change: c.490C>T on transcript NM_173728.4 (MANE Select); coding-DNA position 490, C replaced by T.
Protein change: p.Arg164Trp; replaces arginine 164 with tryptophan.
Molecular consequence: missense variant.
Genome position (GRCh38, 1-based): chr17:8,312,529, C>T. VCF-style: chr17-8312529-C-T. GRCh37 (hg19) VCF-style: chr17-8215847-C-T.
Other names: c.490C>T, p.Arg164Trp (NM_025014.2); short protein forms R164W.
Identifiers: ClinVar variation 403965 (VCV000403965.9), dbSNP rs1031646825, ClinGen allele CA16616028.

ClinVar aggregate classification (germline): Uncertain significance (1 of 4 stars; one submission).

Conditions:
Early-infantile DEE. Also called: Early infantile epileptic encephalopathy; Early infantile epileptic encephalopathy with suppression bursts; Ohtahara syndrome. Identifiers: Orphanet 1934, MedGen C0393706, MONDO:0800491.

Allele frequency attached by ClinVar (database versions not stated): gnomAD 0.00001; TOPMed 0.00001; gnomAD exomes 0.00002.

Submission:

Labcorp Genetics (formerly Invitae), Labcorp
Classification: Uncertain significance for Early-infantile DEE. Last evaluated: 2025-12-15. Review status: criteria provided, single submitter. Criteria: Invitae Variant Classification Sherloc (09022015). Collection method: clinical testing. Allele origin: germline.
Comment: This sequence change replaces arginine, which is basic and polar, with tryptophan, which is neutral and slightly polar, at codon 164 of the ARHGEF15 protein (p.Arg164Trp). This variant is present in population databases (no rsID available, gnomAD 0.006%). This variant has not been reported in the literature in individuals affected with ARHGEF15-related conditions. ClinVar contains an entry for this variant (Variation ID: 403965). An algorithm developed to predict the effect of missense changes on protein structure and function (PolyPhen-2) suggests that this variant is likely to be tolerated. In summary, the available evidence is currently insufficient to determine the role of this variant in disease. Therefore, it has been classified as a Variant of Uncertain Significance.